The following is an entry in ClinVar:

ClinVar aggregate classification (germline): Uncertain significance (1 of 4 stars; one submission).

Conditions:
Inborn genetic diseases. Identifiers: MedGen C0950123, MeSH D030342.

Submission:

Ambry Genetics
Classification: Uncertain significance for Inborn genetic diseases. Last evaluated: 2025-10-07. Review status: criteria provided, single submitter. Criteria: Ambry Variant Classification Scheme 2023. Collection method: clinical testing. Allele origin: germline.
Comment: The c.981G>T (p.G327G) alteration is located in exon 7 (coding exon 6) of the GATAD2B gene. This alteration consists of a G to T substitution at nucleotide position 981. This nucleotide substitution does not change the amino acid at codon 327. This variant was not reported in population-based cohorts in the Genome Aggregation Database (gnomAD). This nucleotide position is not well conserved in available vertebrate species. In silico splice site analysis predicts that this alteration may result in the creation or strengthening of a novel splice donor site and may result in the creation or strengthening of a novel splice acceptor site. Based on insufficient or conflicting evidence, the clinical significance of this alteration remains unclear.

NM_020699.4(GATAD2B):c.981G>T (p.Gly327=)

Gene: GATAD2B (GATA zinc finger domain containing 2B; minus strand). Cytogenetic location: 1q21.3.
Variant type: single nucleotide variant.
Coding change: c.981G>T on transcript NM_020699.4 (MANE Select); coding-DNA position 981, G replaced by T.
Protein change: p.Gly327=; no amino-acid change (glycine 327 retained).
Molecular consequence: synonymous variant.
Genome position (GRCh38, 1-based): chr1:153,816,508, C>A on the plus strand (G>T on the coding strand, the complement: GATAD2B is on the minus strand). VCF-style: chr1-153816508-C-A. GRCh37 (hg19) VCF-style: chr1-153788984-C-A.
Identifiers: ClinVar variation 4620659 (VCV004620659.1).